The following is an entry in ClinVar:

ClinVar aggregate classification (germline): Uncertain significance (1 of 4 stars; one submission).

gnomAD v4.1: 28 of 1,537,966 alleles (0.0018%); highest among the groups gnomAD compares: Middle Eastern, 0.37%; no homozygotes.

Submission:

Women's Health and Genetics/Laboratory Corporation of America, LabCorp
Classification: Uncertain significance. Last evaluated: 2022-01-17. Review status: criteria provided, single submitter. Criteria: LabCorp Variant Classification Summary - May 2015. Collection method: clinical testing. Allele origin: germline.
Comment: Variant summary: SLFN14 c.1904+1G>T is located in a canonical splice-site and is predicted to affect mRNA splicing resulting in a significantly altered protein due to either exon skipping, shortening, or inclusion of intronic material. Several computational tools predict a significant impact on normal splicing: Four predict the variant abolishes the canonical 5' splicing donor site. However, these predictions have yet to be confirmed by functional studies. The variant was absent in 144700 control chromosomes. The available data on variant occurrences in the general population are insufficient to allow any conclusion about variant significance. To our knowledge, no occurrence of c.1904+1G>T or other loss of function variants in individuals affected with Platelet-Type Bleeding Disorder 20 and no experimental evidence demonstrating its impact on protein function have been reported. No clinical diagnostic laboratories have submitted clinical-significance assessments for this variant to ClinVar after 2014. Based on the evidence outlined above, the variant was classified as uncertain significance.

NM_001129820.2(SLFN14):c.1904+1G>T

Gene: SLFN14 (schlafen family member 14; minus strand). Cytogenetic location: 17q12.
Variant type: single nucleotide variant.
Coding change: c.1904+1G>T on transcript NM_001129820.2 (MANE Select); the canonical splice donor site of the intron after coding-DNA position 1904, G replaced by T.
Molecular consequence: splice donor variant.
Genome position (GRCh38, 1-based): chr17:35,552,729, C>A on the plus strand (G>T on the coding strand, the complement: SLFN14 is on the minus strand). VCF-style: chr17-35552729-C-A. GRCh37 (hg19) VCF-style: chr17-33879748-C-A.
Identifiers: ClinVar variation 1339709 (VCV001339709.1), dbSNP rs552439070, ClinGen allele CA290054690.